The following is an entry in ClinVar:

NM_020297.4(ABCC9):c.377A>G (p.Glu126Gly)

Gene: ABCC9 (ATP binding cassette subfamily C member 9; minus strand). Cytogenetic location: 12p12.1.
Variant type: single nucleotide variant.
Coding change: c.377A>G on transcript NM_020297.4 (MANE Select); coding-DNA position 377, A replaced by G.
Protein change: p.Glu126Gly; replaces glutamic acid 126 with glycine.
Molecular consequence: missense variant. On other transcripts: 5 prime UTR variant (1).
Genome position (GRCh38, 1-based): chr12:21,925,971, T>C on the plus strand (A>G on the coding strand, the complement: ABCC9 is on the minus strand). VCF-style: chr12-21925971-T-C. GRCh37 (hg19) VCF-style: chr12-22078905-T-C.
Other names: c.377A>G, p.Glu126Gly (NM_001377273.1, NM_005691.4); c.-78A>G (NM_001377274.1); short protein forms E126G.
Identifiers: ClinVar variation 410823 (VCV000410823.8), dbSNP rs1060503054, ClinGen allele CA16614081.

ClinVar aggregate classification (germline): Uncertain significance (1 of 4 stars; one submission).

Conditions:
Dilated cardiomyopathy 1O (CMD1O). Also called: CARDIOMYOPATHY, DILATED, WITH VENTRICULAR TACHYCARDIA. Identifiers: Orphanet 154, MedGen C1837839, MONDO:0012062, OMIM 608569.

Submission:

Labcorp Genetics (formerly Invitae), Labcorp
Classification: Uncertain significance for Dilated cardiomyopathy 1O. Last evaluated: 2024-04-01. Review status: criteria provided, single submitter. Criteria: Invitae Variant Classification Sherloc (09022015). Collection method: clinical testing. Allele origin: germline.
Comment: This sequence change replaces glutamic acid, which is acidic and polar, with glycine, which is neutral and non-polar, at codon 126 of the ABCC9 protein (p.Glu126Gly). This variant is not present in population databases (gnomAD no frequency). This variant has not been reported in the literature in individuals affected with ABCC9-related conditions. ClinVar contains an entry for this variant (Variation ID: 410823). Advanced modeling of protein sequence and biophysical properties (such as structural, functional, and spatial information, amino acid conservation, physicochemical variation, residue mobility, and thermodynamic stability) performed at Invitae indicates that this missense variant is expected to disrupt ABCC9 protein function with a positive predictive value of 95%. In summary, the available evidence is currently insufficient to determine the role of this variant in disease. Therefore, it has been classified as a Variant of Uncertain Significance.